The following is an entry in ClinVar:

NM_006231.4(POLE):c.4459A>G (p.Ile1487Val)

Gene: POLE (DNA polymerase epsilon, catalytic subunit; minus strand). Cytogenetic location: 12q24.33.
Variant type: single nucleotide variant.
Coding change: c.4459A>G on transcript NM_006231.4 (MANE Select); coding-DNA position 4459, A replaced by G.
Protein change: p.Ile1487Val; replaces isoleucine 1487 with valine.
Molecular consequence: missense variant.
Genome position (GRCh38, 1-based): chr12:132,643,316, T>C on the plus strand (A>G on the coding strand, the complement: POLE is on the minus strand). VCF-style: chr12-132643316-T-C. GRCh37 (hg19) VCF-style: chr12-133219902-T-C.
Other names: short protein forms I1487V.
Identifiers: ClinVar variation 583176 (VCV000583176.10), dbSNP rs1555222924, ClinGen allele CA387380761.

ClinVar aggregate classification (germline): Uncertain significance. Review status: criteria provided, multiple submitters, no conflicts (2 of 4 stars). 3 submissions from 3 submitters: Uncertain significance (3). Last evaluated 2025-03-14.

Conditions:
Hereditary cancer-predisposing syndrome. Also called: Neoplastic Syndromes, Hereditary; Hereditary Cancer Syndrome; Tumor predisposition; Hereditary neoplastic syndrome. Identifiers: Orphanet 140162, MedGen C0027672, MeSH D009386, MONDO:0015356.

Submissions (3):

Ambry Genetics
Classification: Uncertain significance for Hereditary cancer-predisposing syndrome. Last evaluated: 2025-03-14. Review status: criteria provided, single submitter. Criteria: Ambry Variant Classification Scheme 2023. Collection method: clinical testing. Allele origin: germline.
Comment: The p.I1487V variant (also known as c.4459A>G), located in coding exon 35 of the POLE gene, results from an A to G substitution at nucleotide position 4459. The isoleucine at codon 1487 is replaced by valine, an amino acid with highly similar properties. This amino acid position is conserved. In addition, this alteration is predicted to be tolerated by in silico analysis. Based on the available evidence, the clinical significance of this variant remains unclear.

GeneDx
Classification: Uncertain significance. Last evaluated: 2022-06-16. Review status: criteria provided, single submitter. Criteria: GeneDx Variant Classification Process June 2021. Collection method: clinical testing. Allele origin: germline. Affected: yes.
Comment: Not observed at significant frequency in large population cohorts (gnomAD); In silico analysis supports that this missense variant does not alter protein structure/function; Has not been previously published as pathogenic or benign to our knowledge

Labcorp Genetics (formerly Invitae), Labcorp
Classification: Uncertain significance. Last evaluated: 2018-05-22. Review status: criteria provided, single submitter. Criteria: Invitae Variant Classification Sherloc (09022015). Collection method: clinical testing. Allele origin: germline.
Comment: In summary, the available evidence is currently insufficient to determine the role of this variant in disease. Therefore, it has been classified as a Variant of Uncertain Significance. Algorithms developed to predict the effect of missense changes on protein structure and function output the following: SIFT: "Tolerated"; PolyPhen-2: "Benign"; Align-GVGD: "Class C0". The valine amino acid residue is found in multiple mammalian species, suggesting that this missense change does not adversely affect protein function. These predictions have not been confirmed by published functional studies and their clinical significance is uncertain. This variant has not been reported in the literature in individuals with POLE-related disease. This variant is not present in population databases (ExAC no frequency). This sequence change replaces isoleucine with valine at codon 1487 of the POLE protein (p.Ile1487Val). The isoleucine residue is moderately conserved and there is a small physicochemical difference between isoleucine and valine.